The following is an entry in ClinVar:

ClinVar aggregate classification (germline): Conflicting classifications of pathogenicity. Review status: criteria provided, conflicting classifications (1 of 4 stars). 7 submissions from 7 submitters: Uncertain significance (3); Likely benign (4). Last evaluated 2026-09-03.

Conditions:
Cardiomyopathy (CMYO). Also called: Cardiomyopathies. Identifiers: Orphanet 167848, MedGen C0878544, MONDO:0004994, HP:0001638. Inheritance: Various modes of inheritance.
Catecholaminergic polymorphic ventricular tachycardia (CVPT). Also called: Catecholamine-induced polymorphic ventricular tachycardia. Identifiers: Orphanet 3286, MedGen C5574922, MONDO:0017990.
Catecholaminergic polymorphic ventricular tachycardia 1. Also called: RYR2-Related Catecholaminergic Polymorphic Ventricular Tachycardia; VENTRICULAR TACHYCARDIA, STRESS-INDUCED POLYMORPHIC 1; VENTRICULAR TACHYCARDIA, CATECHOLAMINERGIC POLYMORPHIC, 1, WITH OR WITHOUT ATRIAL DYSFUNCTION AND/OR DILATED CARDIOMYOPATHY. Identifiers: Orphanet 3286, MedGen C1631597, MONDO:0011484, OMIM 604772.
Cardiovascular phenotype. Identifiers: MedGen CN230736.

Allele frequency attached by ClinVar (database versions not stated): gnomAD exomes 0.00002 and 0.00006; ExAC 0.00007; gnomAD 0.00008 and 0.00009; TOPMed 0.00011.
gnomAD v4.1: 48 of 1,611,426 alleles (0.003%); highest among the groups gnomAD compares: African/African-American, 0.02%; no homozygotes.

Submissions (7):

GeneDx
Classification: Uncertain significance. Last evaluated: 2026-09-03. Review status: criteria provided, single submitter. Criteria: GeneDx Variant Classification Process June 2021. Collection method: clinical testing. Allele origin: germline.
Comment: In silico analysis suggests that this missense variant does not alter protein structure/function; Not located in one of the three hot-spot regions of the RYR2 gene, where the majority of pathogenic missense variants occur (PMID: 19926015); This variant is associated with the following publications: (PMID: 28404607, 38615880, 19926015)

Labcorp Genetics (formerly Invitae), Labcorp
Classification: Likely benign for Catecholaminergic polymorphic ventricular tachycardia 1. Last evaluated: 2025-12-23. Review status: criteria provided, single submitter. Criteria: Invitae Variant Classification Sherloc (09022015). Collection method: clinical testing. Allele origin: germline.

Ambry Genetics
Classification: Uncertain significance for Cardiovascular phenotype. Last evaluated: 2025-10-30. Review status: criteria provided, single submitter. Criteria: Ambry Variant Classification Scheme 2023. Collection method: clinical testing. Allele origin: germline.
Comment: The p.V1579M variant (also known as c.4735G>A), located in coding exon 36 of the RYR2 gene, results from a G to A substitution at nucleotide position 4735. The valine at codon 1579 is replaced by methionine, an amino acid with highly similar properties. This amino acid position is well conserved in available vertebrate species. In addition, the in silico prediction for this alteration is inconclusive. Since supporting evidence is limited at this time, the clinical significance of this alteration remains unclear.

Color Diagnostics, LLC DBA Color Health
Classification: Likely benign for Cardiomyopathy. Last evaluated: 2024-06-06. Review status: criteria provided, single submitter. Criteria: ACMG Guidelines, 2015. Collection method: clinical testing. Allele origin: germline.

All of Us Research Program, National Institutes of Health
Classification: Uncertain significance for Catecholaminergic polymorphic ventricular tachycardia. Last evaluated: 2024-01-11. Review status: criteria provided, single submitter. Criteria: ACMG Guidelines, 2015. Collection method: clinical testing. Allele origin: germline. Inheritance: Autosomal dominant inheritance. Observed: 11 variant alleles, 11 heterozygotes.
Comment: This missense variant replaces valine with methionine at codon 1579 of the RYR2 protein. Computational prediction suggests that this variant may not impact protein structure and function (internally defined REVEL score threshold <= 0.5, PMID: 27666373). To our knowledge, functional studies have not been reported for this variant. This variant has not been reported in individuals affected with cardiovascular disorders in the literature. This variant has been identified in 17/276474 chromosomes in the general population by the Genome Aggregation Database (gnomAD). The available evidence is insufficient to determine the role of this variant in disease conclusively. Therefore, this variant is classified as a Variant of Uncertain Significance.

This study involves interpretation of variants in research participants for the purpose of population health screening. Participant phenotype was not available at the time of variant classification. Additional details can be found in publication PMID: 35346344, PMCID: PMC8962531

Blueprint Genetics
Classification: Likely benign. Last evaluated: 2023-08-29. Review status: criteria provided, single submitter. Criteria: ACMG Guidelines, 2015. Collection method: clinical testing. Allele origin: germline.

Women's Health and Genetics/Laboratory Corporation of America, LabCorp
Classification: Likely benign. Last evaluated: 2021-04-20. Review status: criteria provided, single submitter. Criteria: LabCorp Variant Classification Summary - May 2015. Collection method: clinical testing. Allele origin: germline.
Comment: Variant summary: RYR2 c.4735G>A (p.Val1579Met) results in a conservative amino acid change in the encoded protein sequence. Four of five in-silico tools predict a benign effect of the variant on protein function. The variant allele was found at a frequency of 6.7e-05 in 389770 control chromosomes, predominantly at a frequency of 0.00025 within the African or African-American subpopulation in the gnomAD database (v2.1 and v3 dataset). The observed variant frequency within African or African-American control individuals in the gnomAD database is approximately 4-fold of the estimated maximal expected allele frequency for a pathogenic variant in RYR2 causing Arrhythmia phenotype (6e-05), strongly suggesting that the variant is a benign polymorphism found primarily in populations of African or African-American origin. c.4735G>A has been reported in the literature in a whole exome sequencing cohort without specific phenotypic information provided (Landstrom_2017). This report does not provide unequivocal conclusions about association of the variant with Arrhythmia. To our knowledge, no experimental evidence demonstrating an impact on protein function has been reported. Two other clinical diagnostic laboratories have submitted clinical-significance assessments for this variant to ClinVar after 2014, and classified the variant as uncertain significance. Based on the evidence outlined above, the variant was classified as likely benign.

Literature cited by the submitters: PubMed 28404607 (cited by Women's Health and Genetics/Laboratory Corporation of America, LabCorp).

NM_001035.3(RYR2):c.4735G>A (p.Val1579Met)

Gene: RYR2 (ryanodine receptor 2; plus strand). Cytogenetic location: 1q43.
Variant type: single nucleotide variant.
Coding change: c.4735G>A on transcript NM_001035.3 (MANE Select); coding-DNA position 4735, G replaced by A.
Protein change: p.Val1579Met; replaces valine 1579 with methionine.
Molecular consequence: missense variant.
Genome position (GRCh38, 1-based): chr1:237,610,813, G>A. VCF-style: chr1-237610813-G-A. GRCh37 (hg19) VCF-style: chr1-237774113-G-A.
Other names: short protein forms V1579M.
Identifiers: ClinVar variation 922010 (VCV000922010.24), dbSNP rs763389778, ClinGen allele CA086718.
Genomic context (GRCh38, chr1:237,610,813, plus strand): 5'-ATCCGCTAGAATGTGATGCCTCTCTCGGCGGGATTATTCAAGAGTGAGCACAAGAACCCC[G>A]TGCCGCAGTGCCCCCCGCGCCTCCACGTGCAGTTCCTGTCACACGTCCTGTGGAGCAGAA-3'
Protein context (NP_001026.2, residues 1569-1589): GLFKSEHKNP[Val1579Met]PQCPPRLHVQ